The following is an entry in ClinVar:

NM_022114.4(PRDM16):c.2813C>T (p.Thr938Met)

Gene: PRDM16 (PR/SET domain 16; plus strand). Cytogenetic location: 1p36.32.
Variant type: single nucleotide variant.
Coding change: c.2813C>T on transcript NM_022114.4 (MANE Select); coding-DNA position 2813, C replaced by T.
Protein change: p.Thr938Met; replaces threonine 938 with methionine.
Molecular consequence: missense variant.
Genome position (GRCh38, 1-based): chr1:3,417,949, C>T. VCF-style: chr1-3417949-C-T. GRCh37 (hg19) VCF-style: chr1-3334513-C-T.
Other names: c.2813C>T, p.Thr938Met (NM_199454.3); short protein forms T938M.
Identifiers: ClinVar variation 406242 (VCV000406242.11), dbSNP rs541102613, ClinGen allele CA544614.

ClinVar aggregate classification (germline): Uncertain significance. Review status: criteria provided, multiple submitters, no conflicts (2 of 4 stars). 2 submissions from 2 submitters: Uncertain significance (2). Last evaluated 2026-09-12.

Conditions:
Left ventricular noncompaction 8 (LVNC8). Identifiers: Orphanet 154, Orphanet 54260, MedGen C3809288, MONDO:0014152, OMIM 615373.

Allele frequency attached by ClinVar (database versions not stated): gnomAD 0.00009; TOPMed 0.00010; 1000 Genomes Project 0.00020; 1000 Genomes Project 30x 0.00031.
gnomAD v4.1: 132 of 1,607,556 alleles (0.0082%); highest among the groups gnomAD compares: South Asian, 0.02%; no homozygotes.

Submissions (2):

GeneDx
Classification: Uncertain significance. Last evaluated: 2026-09-12. Review status: criteria provided, single submitter. Criteria: GeneDx Variant Classification Process June 2021. Collection method: clinical testing. Allele origin: germline.
Comment: Has not been previously published as pathogenic or benign to our knowledge; In silico analysis supports that this missense variant has a deleterious effect on protein structure/function

Labcorp Genetics (formerly Invitae), Labcorp
Classification: Uncertain significance for Left ventricular noncompaction 8. Last evaluated: 2025-12-14. Review status: criteria provided, single submitter. Criteria: Invitae Variant Classification Sherloc (09022015). Collection method: clinical testing. Allele origin: germline.
Comment: This sequence change replaces threonine, which is neutral and polar, with methionine, which is neutral and non-polar, at codon 938 of the PRDM16 protein (p.Thr938Met). This variant is present in population databases (rs541102613, gnomAD 0.06%). This variant has not been reported in the literature in individuals affected with PRDM16-related conditions. ClinVar contains an entry for this variant (Variation ID: 406242). An algorithm developed to predict the effect of missense changes on protein structure and function (PolyPhen-2) suggests that this variant is likely to be disruptive. In summary, the available evidence is currently insufficient to determine the role of this variant in disease. Therefore, it has been classified as a Variant of Uncertain Significance.